The following is an entry in ClinVar:

ClinVar aggregate classification (germline): Benign/Likely benign. Review status: criteria provided, multiple submitters, no conflicts (2 of 4 stars). 5 submissions from 5 submitters: Benign (2); Likely benign (2). 1 of the submissions does not count toward it. Last evaluated 2026-02-02.

Conditions:
ZNF341-related disorder. Also called: ZNF341-related condition.

Allele frequency attached by ClinVar (database versions not stated): 1000 Genomes Project 0.00180; 1000 Genomes Project 30x 0.00187; ESP Exome Variant Server 0.00561; TOPMed 0.00564; gnomAD exomes 0.00615 and 0.00737; gnomAD 0.00618 and 0.00650; ExAC 0.00704.
gnomAD v4.1: 11,640 of 1,608,962 alleles (0.72%); highest among the groups gnomAD compares: Non-Finnish European, 0.84%; 54 homozygotes.

Submissions (5):

Labcorp Genetics (formerly Invitae), Labcorp
Classification: Benign. Last evaluated: 2026-02-02. Review status: criteria provided, single submitter. Criteria: Invitae Variant Classification Sherloc (09022015). Collection method: clinical testing. Allele origin: germline.

Women's Health and Genetics/Laboratory Corporation of America, LabCorp
Classification: Benign. Last evaluated: 2026-01-22. Review status: criteria provided, single submitter. Criteria: LabCorp Variant Classification Summary - May 2015. Collection method: clinical testing. Allele origin: germline.

CeGaT Center for Human Genetics Tuebingen
Classification: Likely benign. Last evaluated: 2025-08-01. Review status: criteria provided, single submitter. Criteria: CeGaT Center For Human Genetics Tuebingen Variant Classification Criteria Version 2. Collection method: clinical testing. Allele origin: germline. Affected: yes. Observed: 9 variant alleles.
Comment: ZNF341: BP4, BP7, BS2

Breakthrough Genomics
Classification: Likely benign. Review status: criteria provided, single submitter. Criteria: ACMG Guidelines, 2015. Collection method: not provided. Allele origin: germline. Inheritance: Autosomal recessive inheritance. Affected: yes.

PreventionGenetics, part of Exact Sciences
Classification: Likely benign for ZNF341-related condition. Last evaluated: 2019-02-21. Review status: no assertion criteria provided. Collection method: clinical testing. Allele origin: germline. Not counted in ClinVar's aggregate classification.
Comment: This variant is classified as likely benign based on ACMG/AMP sequence variant interpretation guidelines (Richards et al. 2015 PMID: 25741868, with internal and published modifications).

NM_001282933.2(ZNF341):c.672T>C (p.Ala224=)

Gene: ZNF341 (zinc finger protein 341; plus strand). Cytogenetic location: 20q11.22.
Variant type: single nucleotide variant.
Coding change: c.672T>C on transcript NM_001282933.2 (MANE Select); coding-DNA position 672, T replaced by C.
Protein change: p.Ala224=; no amino-acid change (alanine 224 retained).
Molecular consequence: synonymous variant. On other transcripts: non-coding transcript variant (1).
Genome position (GRCh38, 1-based): chr20:33,753,354, T>C. VCF-style: chr20-33753354-T-C. GRCh37 (hg19) VCF-style: chr20-32341160-T-C.
Other names: c.672T>C (NM_001282933.1); c.402T>C, p.Ala134= (NM_001282935.2); c.672T>C, p.Ala224= (NM_032819.5).
Identifiers: ClinVar variation 1166719 (VCV001166719.46), dbSNP rs73094865, ClinGen allele CA9819231.